The following is an entry in ClinVar:

ClinVar aggregate classification (germline): Uncertain significance (1 of 4 stars; one submission).

Conditions:
Costello syndrome (CSTLO). Also called: FACIOCUTANEOSKELETAL SYNDROME; FCS SYNDROME; HRAS-Related Costello Syndrome. Identifiers: Orphanet 3071, MedGen C0587248, MONDO:0009026, OMIM 218040.

Submission:

OLLIN Analises Genomicas, OLLIN
Classification: Uncertain significance for Costello syndrome. Last evaluated: 2026-08-06. Review status: criteria provided, single submitter. Criteria: ACMG Guidelines 2015 PMID 25741868. Collection method: clinical testing. Allele origin: germline.
Comment: This missense variant, located in exon 3 (of 6), is absent from gnomAD and ClinVar and has not been identified in the literature. In silico analysis predicts that this variant has a deleterious effect. According to the currently available evidence, this variant has been classified as uncertain significance (PM2_P, PP3).

NM_005343.4(HRAS):c.241G>A (p.Val81Met)

Genes: HRAS (HRas proto-oncogene, GTPase; minus strand), LRRC56 (leucine rich repeat containing 56; plus strand). Cytogenetic location: 11p15.5.
Variant type: single nucleotide variant.
Coding change: c.241G>A on transcript NM_005343.4 (MANE Select); coding-DNA position 241, G replaced by A.
Protein change: p.Val81Met; replaces valine 81 with methionine.
Molecular consequence: missense variant. On other transcripts: 5 prime UTR variant (1), intron variant (2).
Genome position (GRCh38, 1-based): chr11:533,815, C>T on the plus strand (G>A on the coding strand, the complement: HRAS is on the minus strand). VCF-style: chr11-533815-C-T. GRCh37 (hg19) VCF-style: chr11-533815-C-T.
Other names: c.241G>A, p.Val81Met (NM_001130442.3, NM_176795.5); c.-79G>A (NM_001318054.2); c.-162+5478C>T (NM_001441284.1, NM_001441286.1); short protein forms V81M.
Identifiers: ClinVar variation 5002733 (VCV005002733.1).